The following is an entry in ClinVar:

NM_000219.6(KCNE1):c.54G>C (p.Gln18His)

Gene: KCNE1 (potassium voltage-gated channel subfamily E regulatory subunit 1; minus strand). Cytogenetic location: 21q22.12.
Variant type: single nucleotide variant.
Coding change: c.54G>C on transcript NM_000219.6 (MANE Select); coding-DNA position 54, G replaced by C.
Protein change: p.Gln18His; replaces glutamine 18 with histidine.
Molecular consequence: missense variant.
Genome position (GRCh38, 1-based): chr21:34,449,581, C>G on the plus strand (G>C on the coding strand, the complement: KCNE1 is on the minus strand). VCF-style: chr21-34449581-C-G. GRCh37 (hg19) VCF-style: chr21-35821879-C-G.
Other names: c.54G>C, p.Gln18His (NM_001127668.4, NM_001127669.4, NM_001127670.4 and 4 more transcripts); short protein forms Q18H.
Identifiers: ClinVar variation 3373919 (VCV003373919.2).

Conditions:
Long QT syndrome 5 (LQT5). Identifiers: Orphanet 101016, Orphanet 768, MedGen C1867904, MONDO:0013372, OMIM 613695.

Submission:

Roden Lab, Vanderbilt University Medical Center
No classification provided (evidence only). Condition: Long QT syndrome 5. Review status: no classification provided. Collection method: in vitro. Allele origin: not applicable. Functional consequence: Effect on ion channel function.
ClinVar note: "not provided" was previously submitted as the classification for the variant. However, the classification appeared to be based only on an observation of functional data so it was converted to no classification on 2025-07-30.